The following is an entry in ClinVar:

NM_001128840.3(CACNA1D):c.971G>A (p.Arg324His)

Gene: CACNA1D (calcium voltage-gated channel subunit alpha1 D; plus strand). Cytogenetic location: 3p21.1.
Variant type: single nucleotide variant.
Coding change: c.971G>A on transcript NM_001128840.3 (MANE Select); coding-DNA position 971, G replaced by A.
Protein change: p.Arg324His; replaces arginine 324 with histidine.
Molecular consequence: missense variant.
Genome position (GRCh38, 1-based): chr3:53,666,390, G>A. VCF-style: chr3-53666390-G-A. GRCh37 (hg19) VCF-style: chr3-53700417-G-A.
Other names: c.971G>A, p.Arg324His (NM_000720.4, NM_001128839.3); c.971G>A (NM_000720.2); short protein forms R324H.
Identifiers: ClinVar variation 1065579 (VCV001065579.3), dbSNP rs1186152619, ClinGen allele CA353383399.
Genomic context (GRCh38, chr3:53,666,390, plus strand): 5'-TGTTTGCAGATATCGTAGCTGAAGAGGACCCAGCTCCATGTGCGTTCTCAGGGAATGGAC[G>A]CCAGTGTACTGCCAATGGCACGGAATGTAGGAGTGGCTGGGTTGGCCCGAACGGAGGCAT-3'
Protein context (NP_001122312.1, residues 314-334): PAPCAFSGNG[Arg324His]QCTANGTECR

ClinVar aggregate classification (germline): Uncertain significance. Review status: criteria provided, multiple submitters, no conflicts (2 of 4 stars). 3 submissions from 3 submitters: Uncertain significance (3). Last evaluated 2025-06-24.

Conditions:
Aldosterone-producing adenoma with seizures and neurological abnormalities. Also called: Primary aldosteronism, seizures, and neurologic abnormalities. Identifiers: Orphanet 369929, MedGen C3809609, MONDO:0014200, OMIM 615474.

Allele frequency attached by ClinVar (database versions not stated): gnomAD exomes below 0.00001 and 0.00001.
gnomAD v4.1: 8 of 1,614,172 alleles (0.0005%); highest among the groups gnomAD compares: Admixed American, 0.0033%; 1 homozygote.

Submissions (3):

Labcorp Genetics (formerly Invitae), Labcorp
Classification: Uncertain significance. Last evaluated: 2025-06-24. Review status: criteria provided, single submitter. Criteria: Invitae Variant Classification Sherloc (09022015). Collection method: clinical testing. Allele origin: germline.
Comment: This sequence change replaces arginine, which is basic and polar, with histidine, which is basic and polar, at codon 324 of the CACNA1D protein (p.Arg324His). This variant is present in population databases (no rsID available, gnomAD 0.0009%). This variant has not been reported in the literature in individuals affected with CACNA1D-related conditions. ClinVar contains an entry for this variant (Variation ID: 1065579). Invitae Evidence Modeling of protein sequence and biophysical properties (such as structural, functional, and spatial information, amino acid conservation, physicochemical variation, residue mobility, and thermodynamic stability) indicates that this missense variant is not expected to disrupt CACNA1D protein function with a negative predictive value of 80%. In summary, the available evidence is currently insufficient to determine the role of this variant in disease. Therefore, it has been classified as a Variant of Uncertain Significance.

GeneDx
Classification: Uncertain significance. Last evaluated: 2023-02-28. Review status: criteria provided, single submitter. Criteria: GeneDx Variant Classification Process June 2021. Collection method: clinical testing. Allele origin: germline. Affected: yes.
Comment: Not observed at significant frequency in large population cohorts (gnomAD); In silico analysis supports that this missense variant has a deleterious effect on protein structure/function; Has not been previously published as pathogenic or benign to our knowledge

Johns Hopkins Genomics, Johns Hopkins University
Classification: Uncertain significance for Aldosterone-producing adenoma with seizures and neurological abnormalities. Last evaluated: 2021-04-16. Review status: criteria provided, single submitter. Criteria: ACMG Guidelines, 2015. Collection method: clinical testing. Allele origin: germline.
Comment: This CACNA1D variant (rs1186152619) is rare (<0.1%) in a large population dataset (gnomAD: 1/251436 total alleles; 0.0004%; no homozygotes) and has not been reported in ClinVar nor the literature, to our knowledge. Of three bioinformatics tools queried, one predicts that the substitution would be damaging, while two predict that it would be tolerated. The arginine at this position is evolutionarily conserved across all species assessed. We consider the clinical significance of c.971G>A to be uncertain at this time.